The following is an entry in ClinVar:

ClinVar aggregate classification (germline): Likely benign (1 of 4 stars; one submission).

Conditions:
INVS-related disorder. Also called: INVS-related condition.

Submission:

PreventionGenetics, part of Exact Sciences
Classification: Likely benign for INVS-related condition. Last evaluated: 2025-11-07. Review status: criteria provided, single submitter. Criteria: ACMG Guidelines, 2015. Collection method: clinical testing. Allele origin: germline.
Comment: This variant is classified as likely benign based on ACMG/AMP sequence variant interpretation guidelines (Richards et al. 2015 PMID: 25741868, with internal and published modifications).

NM_014425.5(INVS):c.2529G>A (p.Gly843=)

Gene: INVS (inversin; plus strand). Cytogenetic location: 9q31.1.
Variant type: single nucleotide variant.
Coding change: c.2529G>A on transcript NM_014425.5 (MANE Select); coding-DNA position 2529, G replaced by A.
Protein change: p.Gly843=; no amino-acid change (glycine 843 retained).
Molecular consequence: synonymous variant. On other transcripts: non-coding transcript variant (1).
Genome position (GRCh38, 1-based): chr9:100,292,786, G>A. VCF-style: chr9-100292786-G-A. GRCh37 (hg19) VCF-style: chr9-103055068-G-A.
Other names: c.2241G>A, p.Gly747= (NM_001318381.2); c.1551G>A, p.Gly517= (NM_001318382.2).
Identifiers: ClinVar variation 4994702 (VCV004994702.1).
Genomic context (GRCh38, chr9:100,292,786, plus strand): 5'-GAATCCTCCCCACCATCGTACACCAAGAAACAAAGTGACACAAGCCAAGCTCACAGGAGG[G>A]CTCTATTCACATTTGCCACAGAGCACAGAGGAGTTGAGGTCAGGAGCTAGGAGGCTGGAG-3'
Protein context (NP_055240.2, residues 833-853): NKVTQAKLTG[Gly843=]LYSHLPQSTE